The following is an entry in ClinVar:

ClinVar aggregate classification (germline): Likely benign. Review status: criteria provided, multiple submitters, no conflicts (2 of 4 stars). 4 submissions from 4 submitters: Likely benign (4). Last evaluated 2025-10-23.

Conditions:
Pierpont syndrome (PRPTS). Identifiers: Orphanet 487825, MedGen C1865644, MONDO:0011213, OMIM 602342.
Inborn genetic diseases. Identifiers: MedGen C0950123, MeSH D030342.

Allele frequency attached by ClinVar (database versions not stated): ExAC 0.00002; gnomAD 0.00002 and 0.00003; gnomAD exomes 0.00003; TOPMed 0.00004; 1000 Genomes Project 30x 0.00016.
gnomAD v4.1: 34 of 1,612,112 alleles (0.0021%); highest among the groups gnomAD compares: Middle Eastern, 0.017%; no homozygotes.

Submissions (4):

Labcorp Genetics (formerly Invitae), Labcorp
Classification: Likely benign for Pierpont syndrome. Last evaluated: 2025-10-23. Review status: criteria provided, single submitter. Criteria: Invitae Variant Classification Sherloc (09022015). Collection method: clinical testing. Allele origin: germline.

CeGaT Center for Human Genetics Tuebingen
Classification: Likely benign. Last evaluated: 2025-09-01. Review status: criteria provided, single submitter. Criteria: CeGaT Center For Human Genetics Tuebingen Variant Classification Criteria Version 2. Collection method: clinical testing. Allele origin: germline. Affected: yes. Observed: 1 variant allele.
Comment: TBL1XR1: BP4, BP7

Ambry Genetics
Classification: Likely benign for Inborn genetic diseases. Last evaluated: 2024-08-05. Review status: criteria provided, single submitter. Criteria: Ambry Variant Classification Scheme 2023. Collection method: clinical testing. Allele origin: germline.

GeneDx
Classification: Likely benign. Last evaluated: 2021-02-18. Review status: criteria provided, single submitter. Criteria: GeneDx Variant Classification Process June 2021. Collection method: clinical testing. Allele origin: germline. Affected: yes.

NM_024665.7(TBL1XR1):c.342C>T (p.Ala114=)

Gene: TBL1XR1 (TBL1X/Y related 1; minus strand). Cytogenetic location: 3q26.32.
Variant type: single nucleotide variant.
Coding change: c.342C>T on transcript NM_024665.7 (MANE Select); coding-DNA position 342, C replaced by T.
Protein change: p.Ala114=; no amino-acid change (alanine 114 retained).
Molecular consequence: synonymous variant.
Genome position (GRCh38, 1-based): chr3:177,051,589, G>A on the plus strand (C>T on the coding strand, the complement: TBL1XR1 is on the minus strand). VCF-style: chr3-177051589-G-A. GRCh37 (hg19) VCF-style: chr3-176769377-G-A.
Other names: c.342C>T, p.Ala114= (NM_001321193.3, NM_001321194.3, NM_001374327.1 and 2 more transcripts); c.81C>T, p.Ala27= (NM_001321195.3, NM_001374330.1).
Identifiers: ClinVar variation 1152612 (VCV001152612.18), dbSNP rs780887368, ClinGen allele CA2710003.